The following is an entry in ClinVar:

NM_001112741.2(KCNC1):c.1223C>T (p.Pro408Leu)

Gene: KCNC1 (potassium voltage-gated channel subfamily C member 1; plus strand). Cytogenetic location: 11p15.1.
Variant type: single nucleotide variant.
Coding change: c.1223C>T on transcript NM_001112741.2 (MANE Select); coding-DNA position 1223, C replaced by T.
Protein change: p.Pro408Leu; replaces proline 408 with leucine.
Molecular consequence: missense variant.
Genome position (GRCh38, 1-based): chr11:17,772,317, C>T. VCF-style: chr11-17772317-C-T. GRCh37 (hg19) VCF-style: chr11-17793864-C-T.
Other names: c.1223C>T, p.Pro408Leu (NM_004976.4); short protein forms P408L.
Identifiers: ClinVar variation 961788 (VCV000961788.10), dbSNP rs1355766508, ClinGen allele CA379808727.

ClinVar aggregate classification (germline): Uncertain significance (1 of 4 stars; one submission).

Conditions:
Progressive myoclonic epilepsy type 7. Identifiers: Orphanet 435438, MedGen C4015420, MONDO:0014521, OMIM 616187.

Submission:

Labcorp Genetics (formerly Invitae), Labcorp
Classification: Uncertain significance for Progressive myoclonic epilepsy type 7. Last evaluated: 2020-02-24. Review status: criteria provided, single submitter. Criteria: Invitae Variant Classification Sherloc (09022015). Collection method: clinical testing. Allele origin: germline.
Comment: This sequence change replaces proline with leucine at codon 408 of the KCNC1 protein (p.Pro408Leu). The proline residue is highly conserved and there is a moderate physicochemical difference between proline and leucine. This variant is not present in population databases (ExAC no frequency). This variant has not been reported in the literature in individuals with KCNC1-related conditions. Algorithms developed to predict the effect of missense changes on protein structure and function (SIFT, PolyPhen-2, Align-GVGD) all suggest that this variant is likely to be disruptive, but these predictions have not been confirmed by published functional studies and their clinical significance is uncertain. In summary, the available evidence is currently insufficient to determine the role of this variant in disease. Therefore, it has been classified as a Variant of Uncertain Significance.